The following is an entry in ClinVar:

NM_004168.4(SDHA):c.810C>T (p.His270=)

Gene: SDHA (succinate dehydrogenase complex flavoprotein subunit A; plus strand). Cytogenetic location: 5p15.33.
Variant type: single nucleotide variant.
Coding change: c.810C>T on transcript NM_004168.4 (MANE Select); coding-DNA position 810, C replaced by T.
Protein change: p.His270=; no amino-acid change (histidine 270 retained).
Molecular consequence: synonymous variant.
Genome position (GRCh38, 1-based): chr5:230,915, C>T. VCF-style: chr5-230915-C-T. GRCh37 (hg19) VCF-style: chr5-231030-C-T.
Other names: c.666C>T, p.His222= (NM_001294332.2); c.810C>T, p.His270= (NM_001330758.2).
Identifiers: ClinVar variation 827457 (VCV000827457.14), dbSNP rs1199457341, ClinGen allele CA442691483.

ClinVar aggregate classification (germline): Benign/Likely benign. Review status: criteria provided, multiple submitters, no conflicts (2 of 4 stars). 3 submissions from 3 submitters: Benign (1); Likely benign (2). Last evaluated 2025-12-19.

Conditions:
Pheochromocytoma/paraganglioma syndrome 5. Also called: Paragangliomas 5; SDHA-Related Hereditary Paraganglioma-Pheochromocytoma Syndrome. Identifiers: Orphanet 29072, MedGen C3279992, MONDO:0013602, OMIM 614165.
Mitochondrial complex II deficiency, nuclear type 1. Also called: SUCCINATE CoQ REDUCTASE DEFICIENCY. Identifiers: Orphanet 3208, MedGen C5700310, MONDO:0100294, OMIM 252011.
Hereditary cancer-predisposing syndrome. Also called: Tumor predisposition; Hereditary neoplastic syndrome; Neoplastic Syndromes, Hereditary; Hereditary Cancer Syndrome. Identifiers: Orphanet 140162, MedGen C0027672, MeSH D009386, MONDO:0015356.

Allele frequency attached by ClinVar (database versions not stated): gnomAD exomes below 0.00001; TOPMed 0.00001.
gnomAD v4.1: 3 of 1,614,146 alleles (0.00019%); highest among the groups gnomAD compares: South Asian, 0.0011%; no homozygotes.

Submissions (3):

Labcorp Genetics (formerly Invitae), Labcorp
Classification: Likely benign for Pheochromocytoma/paraganglioma syndrome 5; Mitochondrial complex II deficiency, nuclear type 1. Last evaluated: 2025-12-19. Review status: criteria provided, single submitter. Criteria: Invitae Variant Classification Sherloc (09022015). Collection method: clinical testing. Allele origin: germline.

Myriad Genetics, Inc.
Classification: Benign for Pheochromocytoma/paraganglioma syndrome 5. Last evaluated: 2025-03-03. Review status: criteria provided, single submitter. Criteria: Myriad Autosomal Dominant, Autosomal Recessive and X-Linked Classification Criteria (2023). Collection method: clinical testing. Allele origin: unknown.
Comment: This variant is considered benign. This variant is a silent/synonymous amino acid change and it is not expected to impact splicing.

Ambry Genetics
Classification: Likely benign for Hereditary cancer-predisposing syndrome. Last evaluated: 2019-09-03. Review status: criteria provided, single submitter. Criteria: Ambry Variant Classification Scheme 2023. Collection method: clinical testing. Allele origin: germline.